The following is an entry in ClinVar:

ClinVar aggregate classification (germline): Conflicting classifications of pathogenicity. Review status: criteria provided, conflicting classifications (1 of 4 stars). 3 submissions from 3 submitters: Uncertain significance (2); Likely benign (1). Last evaluated 2026-09-01.

Conditions:
Autosomal recessive limb-girdle muscular dystrophy type 2J (LGMDR10). Also called: MUSCULAR DYSTROPHY, LIMB-GIRDLE, AUTOSOMAL RECESSIVE 10; Limb-girdle muscular dystrophy, type 2J. Identifiers: Orphanet 140922, MedGen C1837342, MONDO:0012127, OMIM 608807.
Dilated cardiomyopathy 1G (CMD1G). Identifiers: Orphanet 154, MedGen C1858763, MONDO:0011400, OMIM 604145.

gnomAD v4.1: 9 of 1,613,330 alleles (0.00056%); highest among the groups gnomAD compares: Non-Finnish European, 0.00051%; no homozygotes.

Submissions (3):

CeGaT Center for Human Genetics Tuebingen
Classification: Uncertain significance. Last evaluated: 2026-09-01. Review status: criteria provided, single submitter. Criteria: CeGaT Center For Human Genetics Tuebingen Variant Classification Criteria Version 2. Collection method: clinical testing. Allele origin: germline. Affected: yes. Observed: 1 variant allele.
Comment: TTN: PM2

Blueprint Genetics
Classification: Likely benign. Last evaluated: 2023-02-01. Review status: criteria provided, single submitter. Criteria: ACMG Guidelines, 2015. Collection method: clinical testing. Allele origin: germline.

Labcorp Genetics (formerly Invitae), Labcorp
Classification: Uncertain significance for Dilated cardiomyopathy 1G; Autosomal recessive limb-girdle muscular dystrophy type 2J. Last evaluated: 2017-12-06. Review status: criteria provided, single submitter. Criteria: Invitae Variant Classification Sherloc (09022015). Collection method: clinical testing. Allele origin: germline.

NM_001267550.2(TTN):c.64860G>C (p.Arg21620Ser)

Genes: TTN (titin; minus strand), TTN-AS1 (TTN antisense RNA 1; plus strand). Cytogenetic location: 2q31.2.
Variant type: single nucleotide variant.
Coding change: c.64860G>C on transcript NM_001267550.2 (MANE Select); coding-DNA position 64860, G replaced by C.
Protein change: p.Arg21620Ser; replaces arginine 21620 with serine.
Molecular consequence: missense variant. On other transcripts: non-coding transcript variant (1).
Genome position (GRCh38, 1-based): chr2:178,584,781, C>G on the plus strand (G>C on the coding strand, the complement: TTN is on the minus strand). VCF-style: chr2-178584781-C-G. GRCh37 (hg19) VCF-style: chr2-179449508-C-G.
Other names: c.59937G>C, p.Arg19979Ser (NM_001256850.1); c.37665G>C, p.Arg12555Ser (NM_003319.4); c.57156G>C, p.Arg19052Ser (NM_133378.4); c.38040G>C, p.Arg12680Ser (NM_133432.3); c.38241G>C, p.Arg12747Ser (NM_133437.4); short protein forms R21620S, R12555S, R19052S, R12747S, R12680S, R19979S.
Identifiers: ClinVar variation 535520 (VCV000535520.5), dbSNP rs373713828, ClinGen allele CA1991827.